The following is an entry in ClinVar:

NM_006269.2(RP1):c.5548C>T (p.His1850Tyr)

Genes: RP1 (RP1 axonemal microtubule associated; plus strand), LOC126860392 (CDK7 strongly-dependent group 2 enhancer GRCh37_chr8:55541319-55542518; plus strand). Cytogenetic location: 8q12.1.
Variant type: single nucleotide variant.
Coding change: c.5548C>T on transcript NM_006269.2 (MANE Select); coding-DNA position 5548, C replaced by T.
Protein change: p.His1850Tyr; replaces histidine 1850 with tyrosine.
Molecular consequence: missense variant. On other transcripts: intron variant (1).
Genome position (GRCh38, 1-based): chr8:54,629,430, C>T. VCF-style: chr8-54629430-C-T. GRCh37 (hg19) VCF-style: chr8-55541990-C-T.
Other names: c.787+7142C>T (NM_001375654.1); short protein forms H1850Y.
Identifiers: ClinVar variation 1492814 (VCV001492814.6), dbSNP rs924460004, ClinGen allele CA177183732.

ClinVar aggregate classification (germline): Uncertain significance (1 of 4 stars; one submission).

Allele frequency attached by ClinVar (database versions not stated): gnomAD exomes below 0.00001.
gnomAD v4.1: 2 of 1,614,130 alleles (0.00012%); highest among the groups gnomAD compares: East Asian, 0.0022%; no homozygotes.

Submission:

Labcorp Genetics (formerly Invitae), Labcorp
Classification: Uncertain significance. Last evaluated: 2025-01-06. Review status: criteria provided, single submitter. Criteria: Invitae Variant Classification Sherloc (09022015). Collection method: clinical testing. Allele origin: germline.
Comment: This sequence change replaces histidine, which is basic and polar, with tyrosine, which is neutral and polar, at codon 1850 of the RP1 protein (p.His1850Tyr). This variant is not present in population databases (gnomAD no frequency). This variant has not been reported in the literature in individuals affected with RP1-related conditions. ClinVar contains an entry for this variant (Variation ID: 1492814). An algorithm developed to predict the effect of missense changes on protein structure and function outputs the following: PolyPhen-2: "Possibly Damaging". The tyrosine amino acid residue is found in multiple mammalian species, which suggests that this missense change does not adversely affect protein function. In summary, the available evidence is currently insufficient to determine the role of this variant in disease. Therefore, it has been classified as a Variant of Uncertain Significance.